The following is an entry in ClinVar:

NM_001369268.1(ACAN):c.4338G>T (p.Glu1446Asp)

Gene: ACAN (aggrecan; plus strand). Cytogenetic location: 15q26.1.
Variant type: single nucleotide variant.
Coding change: c.4338G>T on transcript NM_001369268.1 (MANE Select); coding-DNA position 4338, G replaced by T.
Protein change: p.Glu1446Asp; replaces glutamic acid 1446 with aspartic acid.
Molecular consequence: missense variant.
Genome position (GRCh38, 1-based): chr15:88,856,923, G>T. VCF-style: chr15-88856923-G-T. GRCh37 (hg19) VCF-style: chr15-89400154-G-T.
Other names: c.4338G>T, p.Glu1446Asp (NM_001135.4, NM_001411096.1, NM_001411097.1 and 1 more transcripts); short protein forms E1446D.
Identifiers: ClinVar variation 2373380 (VCV002373380.4), dbSNP rs781478525, ClinGen allele CA7720020.

ClinVar aggregate classification (germline): Uncertain significance. Review status: criteria provided, multiple submitters, no conflicts (2 of 4 stars). 2 submissions from 2 submitters: Uncertain significance (2). Last evaluated 2026-05-12.

Conditions:
Inborn genetic diseases. Identifiers: MedGen C0950123, MeSH D030342.

Allele frequency attached by ClinVar (database versions not stated): gnomAD 0.00003; ExAC 0.00007.
gnomAD v4.1: 47 of 1,605,890 alleles (0.0029%); highest among the groups gnomAD compares: Admixed American, 0.052%; no homozygotes.

Submissions (2):

GeneDx
Classification: Uncertain significance. Last evaluated: 2026-05-12. Review status: criteria provided, single submitter. Criteria: GeneDx Variant Classification Process June 2021. Collection method: clinical testing. Allele origin: germline.
Comment: Identified in patients with otosclerosis in the published literature; however, this variant was also present at a similar frequency in controls (PMID: 34410490); In silico analysis suggests that this missense variant does not alter protein structure/function; This variant is associated with the following publications: (PMID: 34410490)

Ambry Genetics
Classification: Uncertain significance for Inborn genetic diseases. Last evaluated: 2022-01-26. Review status: criteria provided, single submitter. Criteria: Ambry Variant Classification Scheme 2023. Collection method: clinical testing. Allele origin: germline.